The following is an entry in ClinVar:

ClinVar aggregate classification (germline): Uncertain significance (1 of 4 stars; one submission).

Conditions:
Jeune thoracic dystrophy. Also called: Jeune syndrome; Infantile thoracic dystrophy; Thoracic pelvic phalangeal dystrophy; Jeune's syndrome; Chondroectodermal dysplasia-like syndrome; Short-rib thoracic dysplasia. Identifiers: Orphanet 474, MedGen C0265275, MONDO:0018770.

Allele frequency attached by ClinVar (database versions not stated): gnomAD exomes below 0.00001.
gnomAD v4.1: 3 of 1,612,908 alleles (0.00019%); highest among the groups gnomAD compares: Non-Finnish European, 0.00025%; no homozygotes.

Submission:

Labcorp Genetics (formerly Invitae), Labcorp
Classification: Uncertain significance for Jeune thoracic dystrophy. Last evaluated: 2022-03-04. Review status: criteria provided, single submitter. Criteria: Invitae Variant Classification Sherloc (09022015). Collection method: clinical testing. Allele origin: germline.
Comment: This sequence change replaces serine, which is neutral and polar, with tyrosine, which is neutral and polar, at codon 1525 of the DYNC2H1 protein (p.Ser1525Tyr). This variant is not present in population databases (gnomAD no frequency). This variant has not been reported in the literature in individuals affected with DYNC2H1-related conditions. Advanced modeling of protein sequence and biophysical properties (such as structural, functional, and spatial information, amino acid conservation, physicochemical variation, residue mobility, and thermodynamic stability) performed at Invitae indicates that this missense variant is not expected to disrupt DYNC2H1 protein function. In summary, the available evidence is currently insufficient to determine the role of this variant in disease. Therefore, it has been classified as a Variant of Uncertain Significance.

NM_001377.3(DYNC2H1):c.4574C>A (p.Ser1525Tyr)

Gene: DYNC2H1 (dynein cytoplasmic 2 heavy chain 1; plus strand). Cytogenetic location: 11q22.3.
Variant type: single nucleotide variant.
Coding change: c.4574C>A on transcript NM_001377.3 (MANE Select); coding-DNA position 4574, C replaced by A.
Protein change: p.Ser1525Tyr; replaces serine 1525 with tyrosine.
Molecular consequence: missense variant.
Genome position (GRCh38, 1-based): chr11:103,163,110, C>A. VCF-style: chr11-103163110-C-A. GRCh37 (hg19) VCF-style: chr11-103033839-C-A.
Other names: c.4574C>A, p.Ser1525Tyr (NM_001080463.2); short protein forms S1525Y.
Identifiers: ClinVar variation 2105955 (VCV002105955.1), dbSNP rs2497098088, ClinGen allele CA382239212.